The following is an entry in ClinVar:

NM_001151.4(SLC25A4):c.550A>C (p.Ile184Leu)

Gene: SLC25A4 (solute carrier family 25 member 4; plus strand). Cytogenetic location: 4q35.1.
Variant type: single nucleotide variant.
Coding change: c.550A>C on transcript NM_001151.4 (MANE Select); coding-DNA position 550, A replaced by C.
Protein change: p.Ile184Leu; replaces isoleucine 184 with leucine.
Molecular consequence: missense variant.
Genome position (GRCh38, 1-based): chr4:185,145,202, A>C. VCF-style: chr4-185145202-A-C. GRCh37 (hg19) VCF-style: chr4-186066356-A-C.
Other names: short protein forms I184L.
Identifiers: ClinVar variation 4999464 (VCV004999464.1).

ClinVar aggregate classification (germline): Uncertain significance (1 of 4 stars; one submission).

Conditions:
SLC25A4-related disorder. Also called: SLC25A4-related condition.

gnomAD v4.1: 1 of 1,614,132 alleles (0.000062%); highest among the groups gnomAD compares: Non-Finnish European, 0.000085%; no homozygotes.

Submission:

PreventionGenetics, part of Exact Sciences
Classification: Uncertain significance for SLC25A4-related condition. Last evaluated: 2025-08-06. Review status: criteria provided, single submitter. Criteria: ACMG Guidelines, 2015. Collection method: clinical testing. Allele origin: germline.
Comment: The SLC25A4 c.550A>C variant is predicted to result in the amino acid substitution p.Ile184Leu. To our knowledge, this variant has not been reported in the literature or in a large population database (gnomAD), indicating this variant is rare. At this time, the clinical significance of this variant is uncertain due to the absence of conclusive functional and genetic evidence.